The following is an entry in ClinVar:

NM_014780.5(CUL7):c.4759C>T (p.Gln1587Ter)

Gene: CUL7 (cullin 7; minus strand). Cytogenetic location: 6p21.1.
Variant type: single nucleotide variant.
Coding change: c.4759C>T on transcript NM_014780.5 (MANE Select); coding-DNA position 4759, C replaced by T.
Protein change: p.Gln1587Ter; replaces glutamine 1587 with a stop codon.
Molecular consequence: nonsense.
Genome position (GRCh38, 1-based): chr6:43,038,281, G>A on the plus strand (C>T on the coding strand, the complement: CUL7 is on the minus strand). VCF-style: chr6-43038281-G-A. GRCh37 (hg19) VCF-style: chr6-43006019-G-A.
Other names: c.4855C>T, p.Gln1619Ter (NM_001168370.2, NM_001374872.1); c.4771C>T, p.Gln1591Ter (NM_001374873.1); c.4756C>T, p.Gln1586Ter (NM_001374874.1); short protein forms Q1586*, Q1591*, Q1587*, Q1619*.
Identifiers: ClinVar variation 1423528 (VCV001423528.6), dbSNP rs752203346, ClinGen allele CA3813127.

ClinVar aggregate classification (germline): Pathogenic (1 of 4 stars; one submission).

Allele frequency attached by ClinVar (database versions not stated): gnomAD exomes below 0.00001; ExAC 0.00001.

Submission:

Labcorp Genetics (formerly Invitae), Labcorp
Classification: Pathogenic. Last evaluated: 2025-04-28. Review status: criteria provided, single submitter. Criteria: Invitae Variant Classification Sherloc (09022015). Collection method: clinical testing. Allele origin: germline.
Comment: This sequence change creates a premature translational stop signal (p.Gln1587*) in the CUL7 gene. While this is not anticipated to result in nonsense mediated decay, it is expected to disrupt the last 112 amino acid(s) of the CUL7 protein. This variant is present in population databases (rs752203346, gnomAD 0.003%). This variant has not been reported in the literature in individuals affected with CUL7-related conditions. ClinVar contains an entry for this variant (Variation ID: 1423528). This variant disrupts a region of the CUL7 protein in which other variant(s) (p.Glu1594Glyfs*19) have been determined to be pathogenic (PMID: 16142236, 24793695, 28969986). This suggests that this is a clinically significant region of the protein, and that variants that disrupt it are likely to be disease-causing. For these reasons, this variant has been classified as Pathogenic.

Literature cited by the submitters: PubMed 16142236; PubMed 24793695; PubMed 28969986.